The following is an entry in ClinVar:

ClinVar aggregate classification (germline): Uncertain significance (1 of 4 stars; one submission).

gnomAD v4.1: 12 of 1,612,728 alleles (0.00074%); highest among the groups gnomAD compares: South Asian, 0.0044%; no homozygotes.

Submission:

Labcorp Genetics (formerly Invitae), Labcorp
Classification: Uncertain significance. Last evaluated: 2025-11-09. Review status: criteria provided, single submitter. Criteria: Invitae Variant Classification Sherloc (09022015). Collection method: clinical testing. Allele origin: germline.
Comment: This sequence change replaces arginine, which is basic and polar, with histidine, which is basic and polar, at codon 209 of the COPB2 protein (p.Arg209His). This variant is present in population databases (rs757082221, gnomAD 0.01%). This variant has not been reported in the literature in individuals affected with COPB2-related conditions. ClinVar contains an entry for this variant (Variation ID: 3709534). An algorithm developed to predict the effect of missense changes on protein structure and function (PolyPhen-2) suggests that this variant is likely to be tolerated. In summary, the available evidence is currently insufficient to determine the role of this variant in disease. Therefore, it has been classified as a Variant of Uncertain Significance.

NM_004766.3(COPB2):c.626G>A (p.Arg209His)

Gene: COPB2 (coat protein complex I subunit beta 2; minus strand). Cytogenetic location: 3q23.
Variant type: single nucleotide variant.
Coding change: c.626G>A on transcript NM_004766.3 (MANE Select); coding-DNA position 626, G replaced by A.
Protein change: p.Arg209His; replaces arginine 209 with histidine.
Molecular consequence: missense variant. On other transcripts: non-coding transcript variant (1).
Genome position (GRCh38, 1-based): chr3:139,375,493, C>T on the plus strand (G>A on the coding strand, the complement: COPB2 is on the minus strand). VCF-style: chr3-139375493-C-T. GRCh37 (hg19) VCF-style: chr3-139094335-C-T.
Other names: c.539G>A, p.Arg180His (NM_001410834.1); short protein forms R209H, R180H.
Identifiers: ClinVar variation 3709534 (VCV003709534.2).